The following is an entry in ClinVar:

NM_001130009.3(GEN1):c.16T>G (p.Leu6Val)

Gene: GEN1 (GEN1 Holliday junction 5' flap endonuclease; plus strand). Cytogenetic location: 2p24.2.
Variant type: single nucleotide variant.
Coding change: c.16T>G on transcript NM_001130009.3 (MANE Select); coding-DNA position 16, T replaced by G.
Protein change: p.Leu6Val; replaces leucine 6 with valine.
Molecular consequence: missense variant.
Genome position (GRCh38, 1-based): chr2:17,759,959, T>G. VCF-style: chr2-17759959-T-G. GRCh37 (hg19) VCF-style: chr2-17941226-T-G.
Other names: c.16T>G, p.Leu6Val (NM_182625.5); short protein forms L6V.
Identifiers: ClinVar variation 3519726 (VCV003519726.1).

ClinVar aggregate classification (germline): Uncertain significance (1 of 4 stars; one submission).

gnomAD v4.1: 2 of 1,613,936 alleles (0.00012%); highest among the groups gnomAD compares: Admixed American, 0.0033%; no homozygotes.

Submission:

Ambry Genetics
Classification: Uncertain significance. Last evaluated: 2024-11-22. Review status: criteria provided, single submitter. Criteria: Ambry Variant Classification Scheme 2023. Collection method: clinical testing. Allele origin: germline.
Comment: The p.L6V variant (also known as c.16T>G), located in coding exon 1 of the GEN1 gene, results from a T to G substitution at nucleotide position 16. The leucine at codon 6 is replaced by valine, an amino acid with highly similar properties. This amino acid position is conserved. In addition, this alteration is predicted to be deleterious by in silico analysis. Based on the available evidence, the clinical significance of this variant remains unclear.